The following is an entry in ClinVar:

NM_144670.6(A2ML1):c.3717+252C>A

Gene: A2ML1 (alpha-2-macroglobulin like 1; plus strand). Cytogenetic location: 12p13.31.
Variant type: single nucleotide variant.
Coding change: c.3717+252C>A on transcript NM_144670.6 (MANE Select); 252 bases into the intron after coding-DNA position 3717, C replaced by A.
Molecular consequence: intron variant.
Genome position (GRCh38, 1-based): chr12:8,864,260, C>A. VCF-style: chr12-8864260-C-A. GRCh37 (hg19) VCF-style: chr12-9016856-C-A.
Other names: c.2244+252C>A (NM_001282424.3).
Identifiers: ClinVar variation 561812 (VCV000561812.1), dbSNP rs61919497, ClinGen allele CA232702327.

ClinVar aggregate classification (germline): Benign (1 of 4 stars; one submission).

Allele frequency attached by ClinVar (database versions not stated): 1000 Genomes Project 30x 0.92380.
gnomAD v4.1: 109,640 of 117,432 alleles (93%); highest among the groups gnomAD compares: South Asian, 100%; 51,886 homozygotes.

Submission:

GeneDx
Classification: Benign. Last evaluated: 2018-06-14. Review status: criteria provided, single submitter. Criteria: GeneDx Variant Classification (06012015). Collection method: clinical testing. Allele origin: germline. Affected: yes.
Comment: This variant is considered likely benign or benign based on one or more of the following criteria: it is a conservative change, it occurs at a poorly conserved position in the protein, it is predicted to be benign by multiple in silico algorithms, and/or has population frequency not consistent with disease.